The following is an entry in ClinVar:

NM_182760.4(SUMF1):c.524_529delinsTTGCT (p.Ala175fs)

Gene: SUMF1 (sulfatase modifying factor 1; minus strand). Cytogenetic location: 3p26.1.
Variant type: Indel.
Coding change: c.524_529delinsTTGCT on transcript NM_182760.4 (MANE Select); coding-DNA positions 524 to 529, CAGCTG replaced by TTGCT.
Protein change: p.Ala175fs; shifts the reading frame from alanine 175.
Molecular consequence: frameshift variant.
Genome position (GRCh38, 1-based): chr3:4,420,137-4,420,142, CAGCTG replaced by AGCAA on the plus strand (CAGCTG replaced by TTGCT on the coding strand, the reverse complement: SUMF1 is on the minus strand). VCF-style: chr3-4420137-CAGCTG-AGCAA. GRCh37 (hg19) VCF-style: chr3-4461821-CAGCTG-AGCAA.
Other names: c.449_454delinsTTGCT, p.Ala150fs (NM_001164674.2); c.524_529delinsTTGCT, p.Ala175fs (NM_001164675.2); short protein forms A150fs, A175fs.
Identifiers: ClinVar variation 5011159 (VCV005011159.1).

ClinVar aggregate classification (germline): Pathogenic (1 of 4 stars; one submission).

Conditions:
Multiple sulfatase deficiency (MSD). Also called: Mucosulfatidosis; Multiple Sulfatase Deficiency Disease; Sulfatidosis, Juvenile, Austin Type. Identifiers: Orphanet 585, MedGen C0268263, MONDO:0010088, OMIM 272200.

Submission:

Myriad Genetics, Inc.
Classification: Pathogenic for Multiple sulfatase deficiency. Last evaluated: 2024-05-14. Review status: criteria provided, single submitter. Criteria: Myriad Autosomal Dominant, Autosomal Recessive and X-Linked Classification Criteria (2023). Collection method: clinical testing. Allele origin: unknown.
Comment: NM_182760.3(SUMF1):c.524_529del6ins5(A175Vfs*9) is expected to be pathogenic in the context of multiple sulfatase deficiency. This variant is predicted to lead to an abnormal or absent protein product due to the creation of a premature termination codon in SUMF1, a gene where loss-of-function variants are known to be pathogenic. Please note: this variant was assessed in the context of healthy population screening.